The following is an entry in ClinVar:

ClinVar aggregate classification (germline): Pathogenic (1 of 4 stars; one submission).

Conditions:
Spastic paraplegia. Identifiers: MedGen C0037772, HP:0001258.

Submission:

Labcorp Genetics (formerly Invitae), Labcorp
Classification: Pathogenic for Spastic paraplegia. Last evaluated: 2019-06-06. Review status: criteria provided, single submitter. Criteria: Invitae Variant Classification Sherloc (09022015). Collection method: clinical testing. Allele origin: germline.
Comment: This variant is an out-of-frame deletion of the genomic region encompassing exons 15-16 of the ZFYVE26 gene. This is expected to create a premature translational stop signal and result in an absent or disrupted protein product. This variant has not been reported in the literature in individuals with ZFYVE26-related conditions. Loss-of-function variants in ZFYVE26 are known to be pathogenic (PMID: 18394578, 19805727). For these reasons, this variant has been classified as Pathogenic.

Literature cited by the submitters: PubMed 18394578; PubMed 19805727.

NC_000014.9:g.(?_67789325)_(67790783_?)del

Gene: ZFYVE26 (zinc finger FYVE-type containing 26; minus strand). Cytogenetic location: 14q24.1.
Variant type: Deletion.
Identifiers: ClinVar variation 833497 (VCV000833497.5).